The following is an entry in ClinVar:

ClinVar aggregate classification (germline): Uncertain significance (0 of 4 stars; one submission).

Allele frequency attached by ClinVar (database versions not stated): gnomAD exomes below 0.00001; TOPMed below 0.00001.
gnomAD v4.1: 1 of 1,610,820 alleles (0.000062%); highest among the groups gnomAD compares: South Asian, 0.0011%; no homozygotes.

Submission:

Department of Pathology and Laboratory Medicine, Sinai Health System
Classification: Uncertain significance. Review status: no assertion criteria provided. Collection method: clinical testing. Allele origin: unknown. Affected: yes. Study: The Canadian Open Genetics Repository (COGR).
Comment: The SERAC1 p.Asp204Tyr variant was not identified in the literature nor was it identified in ClinVar, Cosmic or LOVD 3.0. The variant was identified in dbSNP (ID: rs1192726389) but was not identified in the following control databases: the 1000 Genomes Project, the NHLBI GO Exome Sequencing Project, the Exome Aggregation Consortium (August 8th 2016), or the Genome Aggregation Database (Feb 27, 2017). The p.Asp204 residue is conserved in mammals and computational analyses (PolyPhen-2, SIFT, AlignGVGD, BLOSUM, MutationTaster) provide inconsistent predictions regarding the impact to the protein; this information is not very predictive of pathogenicity. The p.Asp204Tyr variant occurs in the first base of the exon; this position has been shown to be part of the splicing consensus sequence and variants involving this position sometimes affect splicing. In addition, 2 of 4 in silico or computational prediction software programs (SpliceSiteFinder, MaxEntScan, NNSPLICE, GeneSplicer) predict a greater than 10% difference in splicing. In summary, based on the above information the clinical significance of this variant cannot be determined with certainty at this time. This variant is classified as a variant of uncertain significance.

NM_032861.4(SERAC1):c.610G>T (p.Asp204Tyr)

Gene: SERAC1 (serine active site containing 1; minus strand). Cytogenetic location: 6q25.3.
Variant type: single nucleotide variant.
Coding change: c.610G>T on transcript NM_032861.4 (MANE Select); coding-DNA position 610, G replaced by T.
Protein change: p.Asp204Tyr; replaces aspartic acid 204 with tyrosine.
Molecular consequence: missense variant. On other transcripts: non-coding transcript variant (1).
Genome position (GRCh38, 1-based): chr6:158,143,184, C>A on the plus strand (G>T on the coding strand, the complement: SERAC1 is on the minus strand). VCF-style: chr6-158143184-C-A. GRCh37 (hg19) VCF-style: chr6-158564216-C-A.
Other names: short protein forms D204Y.
Identifiers: ClinVar variation 1050217 (VCV001050217.1), dbSNP rs1192726389, ClinGen allele CA366263440.